The following is an entry in ClinVar:

ClinVar aggregate classification (germline): Likely benign (1 of 4 stars; one submission).

Allele frequency attached by ClinVar (database versions not stated): gnomAD exomes below 0.00001 and 0.00001; gnomAD 0.00001; TOPMed 0.00001; ExAC 0.00002.

Submission:

GeneDx
Classification: Likely benign. Last evaluated: 2016-08-31. Review status: criteria provided, single submitter. Criteria: GeneDx Variant Classification (06012015). Collection method: clinical testing. Allele origin: germline. Affected: yes.
Comment: This variant is considered likely benign or benign based on one or more of the following criteria: it is a conservative change, it occurs at a poorly conserved position in the protein, it is predicted to be benign by multiple in silico algorithms, and/or has population frequency not consistent with disease.

NM_005609.4(PYGM):c.2312+7del

Gene: PYGM (glycogen phosphorylase, muscle associated; minus strand). Cytogenetic location: 11q13.1.
Variant type: Deletion.
Coding change: c.2312+7del on transcript NM_005609.4 (MANE Select); 7 bases into the intron after coding-DNA position 2312, one base deleted (T; older notation c.2312+7delT).
Molecular consequence: intron variant.
Genome position (GRCh38, 1-based): chr11:64,747,217, A deleted on the plus strand (T on the coding strand, the reverse complement: PYGM is on the minus strand). VCF-style (leftmost placement, unchanged base first): chr11-64747216-CA-C. GRCh37 (hg19) VCF-style: chr11-64514688-CA-C.
Other names: c.2048+7del (NM_001164716.1).
Identifiers: ClinVar variation 422048 (VCV000422048.1), dbSNP rs779743185, ClinGen allele CA6079569.